The following is an entry in ClinVar:

ClinVar aggregate classification (germline): Uncertain significance. Review status: criteria provided, multiple submitters, no conflicts (2 of 4 stars). 2 submissions from 2 submitters: Uncertain significance (2). Last evaluated 2025-07-15.

Conditions:
Inborn genetic diseases. Identifiers: MedGen C0950123, MeSH D030342.

Allele frequency attached by ClinVar (database versions not stated): gnomAD 0.00001; ESP Exome Variant Server 0.00008; ExAC 0.00001.
gnomAD v4.1: 2 of 1,613,460 alleles (0.00012%); highest among the groups gnomAD compares: African/African-American, 0.0013%; no homozygotes.

Submissions (2):

Ambry Genetics
Classification: Uncertain significance for Inborn genetic diseases. Last evaluated: 2025-07-15. Review status: criteria provided, single submitter. Criteria: Ambry Variant Classification Scheme 2023. Collection method: clinical testing. Allele origin: germline.

GeneDx
Classification: Uncertain significance. Last evaluated: 2022-04-21. Review status: criteria provided, single submitter. Criteria: GeneDx Variant Classification Process June 2021. Collection method: clinical testing. Allele origin: germline. Affected: yes.
Comment: Not observed at significant frequency in large population cohorts (gnomAD); In silico analysis supports that this missense variant does not alter protein structure/function; Has not been previously published as pathogenic or benign to our knowledge

NM_015346.4(ZFYVE26):c.756T>G (p.Ser252Arg)

Gene: ZFYVE26 (zinc finger FYVE-type containing 26; minus strand). Cytogenetic location: 14q24.1.
Variant type: single nucleotide variant.
Coding change: c.756T>G on transcript NM_015346.4 (MANE Select); coding-DNA position 756, T replaced by G.
Protein change: p.Ser252Arg; replaces serine 252 with arginine.
Molecular consequence: missense variant.
Genome position (GRCh38, 1-based): chr14:67,807,528, A>C on the plus strand (T>G on the coding strand, the complement: ZFYVE26 is on the minus strand). VCF-style: chr14-67807528-A-C. GRCh37 (hg19) VCF-style: chr14-68274245-A-C.
Other names: short protein forms S252R.
Identifiers: ClinVar variation 1712239 (VCV001712239.3), dbSNP rs371174698, ClinGen allele CA7240711.
Genomic context (GRCh38, chr14:67,807,528, plus strand): 5'-CAGCAGGCCCCGGCTGGCCTTGTGCAGCAGGCAGCTGAGCAGCCGCTCCTCCCGCAGGGG[A>C]CTCCCCTCGGTCCTGCAGGCCTCTAGTAGTTCCTCACACAGGAGATGCAACTCAACCCCA-3'
Protein context (NP_056161.2, residues 242-262): ELLEACRTEG[Ser252Arg]PLREERLLSC